The following is an entry in ClinVar:

NM_001379291.1(BRD4):c.203G>C (p.Arg68Thr)

Gene: BRD4 (bromodomain containing 4; minus strand). Cytogenetic location: 19p13.12.
Variant type: single nucleotide variant.
Coding change: c.203G>C on transcript NM_001379291.1 (MANE Select); coding-DNA position 203, G replaced by C.
Protein change: p.Arg68Thr; replaces arginine 68 with threonine.
Molecular consequence: missense variant.
Genome position (GRCh38, 1-based): chr19:15,272,897, C>G on the plus strand (G>C on the coding strand, the complement: BRD4 is on the minus strand). VCF-style: chr19-15272897-C-G. GRCh37 (hg19) VCF-style: chr19-15383708-C-G.
Other names: c.203G>C, p.Arg68Thr (NM_001330384.2, NM_001379292.1, NM_014299.3 and 1 more transcripts); short protein forms R68T.
Identifiers: ClinVar variation 2779714 (VCV002779714.3), dbSNP rs1002212228, ClinGen allele CA305783078.

ClinVar aggregate classification (germline): Uncertain significance (1 of 4 stars; one submission).

Allele frequency attached by ClinVar (database versions not stated): gnomAD 0.00001.
gnomAD v4.1: 2 of 1,614,026 alleles (0.00012%); highest among the groups gnomAD compares: African/African-American, 0.0027%; no homozygotes.

Submission:

Labcorp Genetics (formerly Invitae), Labcorp
Classification: Uncertain significance. Last evaluated: 2023-05-11. Review status: criteria provided, single submitter. Criteria: Invitae Variant Classification Sherloc (09022015). Collection method: clinical testing. Allele origin: germline.
Comment: This variant is present in population databases (no rsID available, gnomAD 0.01%). This variant has not been reported in the literature in individuals affected with BRD4-related conditions. Advanced modeling of protein sequence and biophysical properties (such as structural, functional, and spatial information, amino acid conservation, physicochemical variation, residue mobility, and thermodynamic stability) performed at Invitae indicates that this missense variant is not expected to disrupt BRD4 protein function. In summary, the available evidence is currently insufficient to determine the role of this variant in disease. Therefore, it has been classified as a Variant of Uncertain Significance. This sequence change replaces arginine, which is basic and polar, with threonine, which is neutral and polar, at codon 68 of the BRD4 protein (p.Arg68Thr).